The following is an entry in ClinVar:

NM_207361.6(FREM2):c.5767+8G>A

Gene: FREM2 (FRAS1 related extracellular matrix 2; plus strand). Cytogenetic location: 13q13.3.
Variant type: single nucleotide variant.
Coding change: c.5767+8G>A on transcript NM_207361.6 (MANE Select); 8 bases into the intron after coding-DNA position 5767, G replaced by A.
Molecular consequence: intron variant.
Genome position (GRCh38, 1-based): chr13:38,783,203, G>A. VCF-style: chr13-38783203-G-A. GRCh37 (hg19) VCF-style: chr13-39357340-G-A.
Other names: c.5767+8G>A (NM_207361.5).
Identifiers: ClinVar variation 1544444 (VCV001544444.11), dbSNP rs372938184, ClinGen allele CA6955332.

ClinVar aggregate classification (germline): Likely benign. Review status: criteria provided, multiple submitters, no conflicts (2 of 4 stars). 3 submissions from 3 submitters: Likely benign (2). 1 of the submissions does not count toward it. Last evaluated 2026-01-16.

Conditions:
FREM2-related disorder. Also called: FREM2-related condition.

Allele frequency attached by ClinVar (database versions not stated): ExAC 0.00006; ESP Exome Variant Server 0.00008; TOPMed 0.00009; gnomAD exomes 0.00005; gnomAD 0.00012 and 0.00013.
gnomAD v4.1: 103 of 1,613,868 alleles (0.0064%); highest among the groups gnomAD compares: African/African-American, 0.013%; no homozygotes.

Submissions (3):

Labcorp Genetics (formerly Invitae), Labcorp
Classification: Likely benign. Last evaluated: 2026-01-16. Review status: criteria provided, single submitter. Criteria: Invitae Variant Classification Sherloc (09022015). Collection method: clinical testing. Allele origin: germline.

Blueprint Genetics
Classification: Likely benign. Last evaluated: 2024-09-16. Review status: criteria provided, single submitter. Criteria: ACMG Guidelines, 2015. Collection method: clinical testing. Allele origin: germline.

PreventionGenetics, part of Exact Sciences
Classification: Likely benign for FREM2-related condition. Last evaluated: 2021-04-15. Review status: no assertion criteria provided. Collection method: clinical testing. Allele origin: germline. Not counted in ClinVar's aggregate classification.
Comment: This variant is classified as likely benign based on ACMG/AMP sequence variant interpretation guidelines (Richards et al. 2015 PMID: 25741868, with internal and published modifications).